The following is an entry in ClinVar:

NM_005739.4(RASGRP1):c.1953G>A (p.Met651Ile)

Gene: RASGRP1 (RAS guanyl releasing protein 1; minus strand). Cytogenetic location: 15q14.
Variant type: single nucleotide variant.
Coding change: c.1953G>A on transcript NM_005739.4 (MANE Select); coding-DNA position 1953, G replaced by A.
Protein change: p.Met651Ile; replaces methionine 651 with isoleucine.
Molecular consequence: missense variant. On other transcripts: intron variant (1).
Genome position (GRCh38, 1-based): chr15:38,494,688, C>T on the plus strand (G>A on the coding strand, the complement: RASGRP1 is on the minus strand). VCF-style: chr15-38494688-C-T. GRCh37 (hg19) VCF-style: chr15-38786889-C-T.
Other names: c.1848G>A, p.Met616Ile (NM_001128602.2); c.1769-4000G>A (NM_001306086.2); short protein forms M651I, M616I.
Identifiers: ClinVar variation 1351003 (VCV001351003.6), dbSNP rs2141076920, ClinGen allele CA391662346.
Genomic context (GRCh38, chr15:38,494,688, plus strand): 5'-CTTGTGGGCAACAGCCCTCTTCAGCCGAAGAGAAATCTTCTGTGAGGACACTCCCATCAG[C>T]ATGATGGTCCGATCCTTACTCTCCTCACCATGTTCCACAGCCTCCCCATTAGGGAATGTA-3'
Protein context (NP_005730.2, residues 641-661): HGEESKDRTI[Met651Ile]LMGVSSQKIS

ClinVar aggregate classification (germline): Uncertain significance (1 of 4 stars; one submission).

Submission:

Labcorp Genetics (formerly Invitae), Labcorp
Classification: Uncertain significance. Last evaluated: 2021-10-14. Review status: criteria provided, single submitter. Criteria: Invitae Variant Classification Sherloc (09022015). Collection method: clinical testing. Allele origin: germline.
Comment: This variant has not been reported in the literature in individuals affected with RASGRP1-related conditions. This sequence change replaces methionine with isoleucine at codon 651 of the RASGRP1 protein (p.Met651Ile). The methionine residue is moderately conserved and there is a small physicochemical difference between methionine and isoleucine. This variant is not present in population databases (ExAC no frequency). Algorithms developed to predict the effect of missense changes on protein structure and function are either unavailable or do not agree on the potential impact of this missense change (SIFT: "Deleterious"; PolyPhen-2: "Benign"; Align-GVGD: "Class C0"). In summary, the available evidence is currently insufficient to determine the role of this variant in disease. Therefore, it has been classified as a Variant of Uncertain Significance.